The following is an entry in ClinVar:

ClinVar aggregate classification (germline): Uncertain significance (1 of 4 stars; one submission).

Conditions:
Joubert syndrome 21 (JBTS21). Identifiers: MedGen C3810212, MONDO:0014288, OMIM 615636.

Allele frequency attached by ClinVar (database versions not stated): gnomAD 0.00001; TOPMed 0.00001; ExAC 0.00001.
gnomAD v4.1: 3 of 1,613,198 alleles (0.00019%); highest among the groups gnomAD compares: Admixed American, 0.0033%; no homozygotes.

Submission:

Labcorp Genetics (formerly Invitae), Labcorp
Classification: Uncertain significance for Joubert syndrome 21. Last evaluated: 2022-08-05. Review status: criteria provided, single submitter. Criteria: Invitae Variant Classification Sherloc (09022015). Collection method: clinical testing. Allele origin: germline.
Comment: This sequence change replaces serine, which is neutral and polar, with arginine, which is basic and polar, at codon 1155 of the CSPP1 protein (p.Ser1155Arg). This variant is present in population databases (rs766814639, gnomAD 0.006%). This variant has not been reported in the literature in individuals affected with CSPP1-related conditions. Algorithms developed to predict the effect of missense changes on protein structure and function are either unavailable or do not agree on the potential impact of this missense change (SIFT: "Tolerated"; PolyPhen-2: "Possibly Damaging"; Align-GVGD: "Class C0"). In summary, the available evidence is currently insufficient to determine the role of this variant in disease. Therefore, it has been classified as a Variant of Uncertain Significance.

NM_001382391.1(CSPP1):c.3478A>C (p.Ser1160Arg)

Genes: ARFGEF1 (ARF guanine nucleotide exchange factor 1; minus strand), CSPP1 (centrosome and spindle pole associated protein 1; plus strand). Cytogenetic location: 8q13.2.
Variant type: single nucleotide variant.
Coding change: c.3478A>C on transcript NM_001382391.1 (MANE Select); coding-DNA position 3478, A replaced by C.
Protein change: p.Ser1160Arg; replaces serine 1160 with arginine.
Molecular consequence: missense variant. On other transcripts: intron variant (2).
Genome position (GRCh38, 1-based): chr8:67,195,390, A>C. VCF-style: chr8-67195390-A-C. GRCh37 (hg19) VCF-style: chr8-68107625-A-C.
Other names: c.2428A>C, p.Ser810Arg (NM_001291339.2); c.3397A>C, p.Ser1133Arg (NM_001363131.2); c.3283A>C, p.Ser1095Arg (NM_001363132.2); c.3202A>C, p.Ser1068Arg (NM_001363133.2); c.3544A>C, p.Ser1182Arg (NM_001364869.1); c.3364A>C, p.Ser1122Arg (NM_001364870.1); c.3310A>C, p.Ser1104Arg (NM_001438330.1); c.3324A>C, p.Arg1108Ser (NM_001438331.1); and 4 more; short protein forms S810R, S1155R, S1095R, S1182R, S1068R, S1122R, S1133R, S1160R.
Identifiers: ClinVar variation 2038211 (VCV002038211.1), dbSNP rs766814639, ClinGen allele CA4771197.